The following is an entry in ClinVar:

NM_000548.5(TSC2):c.1293G>T (p.Ala431=)

Gene: TSC2 (TSC complex subunit 2; plus strand). Cytogenetic location: 16p13.3.
Variant type: single nucleotide variant.
Coding change: c.1293G>T on transcript NM_000548.5 (MANE Select); coding-DNA position 1293, G replaced by T.
Protein change: p.Ala431=; no amino-acid change (alanine 431 retained).
Molecular consequence: synonymous variant.
Genome position (GRCh38, 1-based): chr16:2,062,532, G>T. VCF-style: chr16-2062532-G-T. GRCh37 (hg19) VCF-style: chr16-2112533-G-T.
Other names: c.1293G>T, p.Ala431= (NM_001077183.3, NM_001114382.3, NM_001363528.2 and 3 more transcripts); c.1182G>T, p.Ala394= (NM_001318827.2); c.1146G>T, p.Ala382= (NM_001318829.2); c.693G>T, p.Ala231= (NM_001318831.2); c.1326G>T, p.Ala442= (NM_001318832.2).
Identifiers: ClinVar variation 237963 (VCV000237963.13), dbSNP rs45517162, ClinGen allele CA10583293.
Genomic context (GRCh38, chr16:2,062,532, plus strand): 5'-GCAACACCGGCTCTTCTTTTGACAGGAGTCCTCCCTCCTGAACCTGATCTCCTATAGAGC[G>T]CAGTCCATCCACCCGGCCAAGGACGGCTGGATTCAGAACCTGCAGGCGCTGATGGAGAGA-3'
Protein context (NP_000539.2, residues 421-441): SSLLNLISYR[Ala431=]QSIHPAKDGW

ClinVar aggregate classification (germline): Benign/Likely benign. Review status: criteria provided, multiple submitters, no conflicts (2 of 4 stars). 3 submissions from 3 submitters: Benign (1); Likely benign (2). Last evaluated 2025-12-02.

Conditions:
Hereditary cancer-predisposing syndrome. Also called: Tumor predisposition; Hereditary Cancer Syndrome; Hereditary neoplastic syndrome; Neoplastic Syndromes, Hereditary. Identifiers: Orphanet 140162, MedGen C0027672, MeSH D009386, MONDO:0015356.
Tuberous sclerosis 2 (TSC2). Identifiers: Orphanet 805, MedGen C1860707, MONDO:0013199, OMIM 613254.

gnomAD v4.1: 7 of 1,612,322 alleles (0.00043%); highest among the groups gnomAD compares: Non-Finnish European, 0.00059%; no homozygotes.

Submissions (3):

Labcorp Genetics (formerly Invitae), Labcorp
Classification: Likely benign for Tuberous sclerosis 2. Last evaluated: 2025-12-02. Review status: criteria provided, single submitter. Criteria: Invitae Variant Classification Sherloc (09022015). Collection method: clinical testing. Allele origin: germline.

Myriad Genetics, Inc.
Classification: Benign for Tuberous sclerosis 2. Last evaluated: 2025-05-13. Review status: criteria provided, single submitter. Criteria: Myriad Autosomal Dominant, Autosomal Recessive and X-Linked Classification Criteria (2023). Collection method: clinical testing. Allele origin: unknown.
Comment: This variant is considered benign. This variant is a silent/synonymous amino acid change and it is not expected to impact splicing.

Ambry Genetics
Classification: Likely benign for Hereditary cancer-predisposing syndrome. Last evaluated: 2024-01-17. Review status: criteria provided, single submitter. Criteria: Ambry Variant Classification Scheme 2023. Collection method: clinical testing. Allele origin: germline.